The following is an entry in ClinVar:

NM_003924.4(PHOX2B):c.55G>A (p.Ala19Thr)

Genes: PHOX2B-AS1 (PHOX2B antisense RNA 1; plus strand), PHOX2B (paired like homeobox 2B; minus strand). Cytogenetic location: 4p13.
Variant type: single nucleotide variant.
Coding change: c.55G>A on transcript NM_003924.4 (MANE Select); coding-DNA position 55, G replaced by A.
Protein change: p.Ala19Thr; replaces alanine 19 with threonine.
Molecular consequence: missense variant. On other transcripts: non-coding transcript variant (1).
Genome position (GRCh38, 1-based): chr4:41,748,556, C>T on the plus strand (G>A on the coding strand, the complement: PHOX2B is on the minus strand). VCF-style: chr4-41748556-C-T. GRCh37 (hg19) VCF-style: chr4-41750573-C-T.
Other names: short protein forms A19T.
Identifiers: ClinVar variation 3417946 (VCV003417946.1).

ClinVar aggregate classification (germline): Uncertain significance (1 of 4 stars; one submission).

Conditions:
Hereditary cancer-predisposing syndrome. Also called: Neoplastic Syndromes, Hereditary; Tumor predisposition; Hereditary Cancer Syndrome; Hereditary neoplastic syndrome. Identifiers: Orphanet 140162, MedGen C0027672, MeSH D009386, MONDO:0015356.

gnomAD v4.1: 1 of 1,613,750 alleles (0.000062%); highest among the groups gnomAD compares: Non-Finnish European, 0.000085%; no homozygotes.

Submission:

Ambry Genetics
Classification: Uncertain significance for Hereditary cancer-predisposing syndrome. Last evaluated: 2024-09-18. Review status: criteria provided, single submitter. Criteria: Ambry Variant Classification Scheme 2023. Collection method: clinical testing. Allele origin: germline.
Comment: The p.A19T variant (also known as c.55G>A), located in coding exon 1 of the PHOX2B gene, results from a G to A substitution at nucleotide position 55. The alanine at codon 19 is replaced by threonine, an amino acid with similar properties. This amino acid position is conserved. In addition, the in silico prediction for this alteration is inconclusive. Based on the available evidence, the clinical significance of this variant remains unclear.